The following is an entry in ClinVar:

ClinVar aggregate classification (germline): Conflicting classifications of pathogenicity. Review status: criteria provided, conflicting classifications (1 of 4 stars). 3 submissions from 3 submitters: Uncertain significance (2); Likely benign (1). Last evaluated 2021-12-12.

Conditions:
Inborn genetic diseases. Identifiers: MedGen C0950123, MeSH D030342.
Polyendocrine-polyneuropathy syndrome (PEPNS). Identifiers: Orphanet 453533, MedGen C4015261, MONDO:0014497, OMIM 616113.
Hearing loss, autosomal dominant 71. Also called: DEAFNESS, AUTOSOMAL DOMINANT 71. Identifiers: MedGen C4539881, MONDO:0033258, OMIM 617605.
Developmental and epileptic encephalopathy, 81. Also called: EPILEPTIC ENCEPHALOPATHY, EARLY INFANTILE, 81. Identifiers: MedGen C5231450, MONDO:0032858, OMIM 618663.

Allele frequency attached by ClinVar (database versions not stated): gnomAD 0.00001; ExAC 0.00002; TOPMed 0.00003; gnomAD exomes 0.00004; 1000 Genomes Project 30x 0.00016; 1000 Genomes Project 0.00020.
gnomAD v4.1: 24 of 1,614,184 alleles (0.0015%); highest among the groups gnomAD compares: East Asian, 0.018%; 1 homozygote.

Submissions (3):

Labcorp Genetics (formerly Invitae), Labcorp
Classification: Uncertain significance. Last evaluated: 2021-12-12. Review status: criteria provided, single submitter. Criteria: Invitae Variant Classification Sherloc (09022015). Collection method: clinical testing. Allele origin: germline.
Comment: This sequence change replaces glutamic acid, which is acidic and polar, with aspartic acid, which is acidic and polar, at codon 1036 of the DMXL2 protein (p.Glu1036Asp). This variant is present in population databases (rs376728796, gnomAD 0.04%). This variant has not been reported in the literature in individuals affected with DMXL2-related conditions. Algorithms developed to predict the effect of missense changes on protein structure and function output the following: SIFT: "Tolerated"; PolyPhen-2: "Benign"; Align-GVGD: "Class C0". The aspartic acid amino acid residue is found in multiple mammalian species, which suggests that this missense change does not adversely affect protein function. In summary, the available evidence is currently insufficient to determine the role of this variant in disease. Therefore, it has been classified as a Variant of Uncertain Significance.

Ambry Genetics
Classification: Likely benign for Inborn genetic diseases. Last evaluated: 2021-12-07. Review status: criteria provided, single submitter. Criteria: Ambry Variant Classification Scheme 2023. Collection method: clinical testing. Allele origin: germline.

Fulgent Genetics
Classification: Uncertain significance for Polyendocrine-polyneuropathy syndrome; Hearing loss, autosomal dominant 71; Developmental and epileptic encephalopathy, 81. Last evaluated: 2021-08-25. Review status: criteria provided, single submitter. Criteria: ACMG Guidelines, 2015. Collection method: clinical testing. Allele origin: unknown.

NM_001378457.1(DMXL2):c.3108G>T (p.Glu1036Asp)

Gene: DMXL2 (Dmx like 2; minus strand). Cytogenetic location: 15q21.2.
Variant type: single nucleotide variant.
Coding change: c.3108G>T on transcript NM_001378457.1 (MANE Select); coding-DNA position 3108, G replaced by T.
Protein change: p.Glu1036Asp; replaces glutamic acid 1036 with aspartic acid.
Molecular consequence: missense variant. On other transcripts: non-coding transcript variant (2), intron variant (2).
Genome position (GRCh38, 1-based): chr15:51,500,116, C>A on the plus strand (G>T on the coding strand, the complement: DMXL2 is on the minus strand). VCF-style: chr15-51500116-C-A. GRCh37 (hg19) VCF-style: chr15-51792313-C-A.
Other names: c.3108G>T, p.Glu1036Asp (NM_001174116.3, NM_001378458.1, NM_001378459.1 and 4 more transcripts); c.2868G>T, p.Glu956Asp (NM_001378464.1); c.2764+7018G>T (NM_001378460.1); c.2765-4982G>T (NM_001174117.3); c.3108G>T (NM_001174116.1); short protein forms E956D, E1036D.
Identifiers: ClinVar variation 1397986 (VCV001397986.5), dbSNP rs376728796, ClinGen allele CA7562207.